The following is an entry in ClinVar:

NM_007294.4(BRCA1):c.134A>C (p.Lys45Thr)

Gene: BRCA1 (BRCA1 DNA repair associated; minus strand). Cytogenetic location: 17q21.31.
Variant type: single nucleotide variant.
Coding change: c.134A>C on transcript NM_007294.4 (MANE Select); coding-DNA position 134, A replaced by C.
Protein change: p.Lys45Thr; replaces lysine 45 with threonine.
Molecular consequence: missense variant. On other transcripts: non-coding transcript variant (1), intron variant (1).
Genome position (GRCh38, 1-based): chr17:43,115,726, T>G on the plus strand (A>C on the coding strand, the complement: BRCA1 is on the minus strand). VCF-style: chr17-43115726-T-G. GRCh37 (hg19) VCF-style: chr17-41267743-T-G.
Other names: p.K45T:AAA>ACA; 253A>C; c.134A>C, p.Lys45Thr (NM_001408436.1, NM_001408437.1, NM_001408438.1 and 192 more transcripts); c.-8A>C (NM_001408452.1, NM_001408453.1, NM_001408458.1 and 47 more transcripts); c.-124A>C (NM_001408455.1, NM_001408456.1, NM_001408468.1 and 13 more transcripts); c.-128A>C (NM_001408465.1, NM_001407695.1); c.-55A>C (NM_001408478.1, NM_001408479.1, NM_001408480.1 and 52 more transcripts); c.-171A>C (NM_001408492.1, NM_001407889.1, NM_001407900.1); and 3 more; short protein forms K45T.
Identifiers: ClinVar variation 37402 (VCV000037402.33), dbSNP rs80356863, ClinGen allele CA000890.

ClinVar aggregate classification (germline): Conflicting classifications of pathogenicity. Review status: criteria provided, conflicting classifications (1 of 4 stars). 10 submissions from 10 submitters: Uncertain significance (1); Likely benign (6). 3 of the submissions do not count toward it. Last evaluated 2026-01-13.

Conditions:
Hereditary cancer-predisposing syndrome. Also called: Tumor predisposition; Neoplastic Syndromes, Hereditary; Hereditary Cancer Syndrome; Hereditary neoplastic syndrome. Identifiers: Orphanet 140162, MedGen C0027672, MeSH D009386, MONDO:0015356.
Hereditary breast ovarian cancer syndrome. Also called: Hereditary breast and ovarian cancer syndrome (HBOC); Hereditary breast and ovarian cancer syndrome; Hereditary breast and ovarian cancer; Hereditary breast and/or ovarian cancer syndrome; Breast and ovarian cancer; BRCA1- and BRCA2-Associated Hereditary Breast and Ovarian Cancer. Identifiers: Orphanet 145, MedGen C0677776, MeSH D061325, MONDO:0003582. Disease mechanism: loss of function.
Breast-ovarian cancer, familial, susceptibility to, 1 (BROVCA1). Also called: OVARIAN CANCER, SUSCEPTIBILITY TO; BRCA1 Hereditary Breast and Ovarian Cancer. Identifiers: Orphanet 145, MedGen C2676676, MONDO:0011450, OMIM 604370. Disease mechanism: loss of function.

Allele frequency attached by ClinVar (database versions not stated): gnomAD 0.00001; gnomAD exomes 0.00001; TOPMed 0.00001; ExAC 0.00002.
gnomAD v4.1: 1 of 1,613,248 alleles (0.000062%); highest among the groups gnomAD compares: African/African-American, 0.0013%; no homozygotes.

Submissions (11):

Labcorp Genetics (formerly Invitae), Labcorp
Classification: Likely benign for Hereditary breast ovarian cancer syndrome. Last evaluated: 2026-01-13. Review status: criteria provided, single submitter. Criteria: Invitae Variant Classification Sherloc (09022015). Collection method: clinical testing. Allele origin: germline.

Women's Health and Genetics/Laboratory Corporation of America, LabCorp
Classification: Likely benign. Last evaluated: 2024-08-05. Review status: criteria provided, single submitter. Criteria: LabCorp Variant Classification Summary - May 2015. Collection method: clinical testing. Allele origin: germline.
Comment: Variant summary: BRCA1 c.134A>C (p.Lys45Thr) results in a non-conservative amino acid change located in the Zinc finger, RING-type (IPR001841) and Zinc finger, C3HC4 RING-type (IPR018957) of the encoded protein sequence. Four of five in-silico tools predict a damaging effect of the variant on protein function. Consensus agreement among computation tools predict no significant impact on normal splicing. However, these predictions have yet to be confirmed by functional studies. The variant allele was found at a frequency of 8e-06 in 250502 control chromosomes. The available data on variant occurrences in the general population are insufficient to allow any conclusion about variant significance. c.134A>C has been reported in the literature (e.g. Borg 2010). These report(s) do not provide unequivocal conclusions about association of the variant with Hereditary Breast And Ovarian Cancer Syndrome. Co-occurrences with other pathogenic variant(s) have been reported (BRCA2 c.26_26delC, p.Pro9Glnfs, BIC database), providing supporting evidence for a benign role. At least one functional study reports experimental evidence evaluating an impact on protein function and showed no damaging effect of this variant on homology directed repair (HDR) activity (e.g. Findlay_2018). HDR assays qualify as a recognized gold standard on the basis of updated guidance provided by the ClinGen Sequence Variant Interpretation (SVI) working group. In another in-vitro assay, this variant was shown to decrease the ubiquitin ligase activity (Morris_2006, Starita_2015). The following publications have been ascertained in the context of this evaluation (PMID: 16267036, 20104584, 15235020, 21520273, 16403807, 25823446, 30209399). ClinVar contains an entry for this variant (Variation ID: 37402). Based on the evidence outlined above, the variant was classified as likely benign.

All of Us Research Program, National Institutes of Health
Classification: Likely benign for Breast-ovarian cancer, familial, susceptibility to, 1. Last evaluated: 2023-09-04. Review status: criteria provided, single submitter. Criteria: ACMG Guidelines, 2015. Collection method: clinical testing. Allele origin: germline. Inheritance: Autosomal dominant inheritance. Observed: 3 variant alleles, 3 heterozygotes.
Comment: This missense variant replaces lysine with threonine at codon 45 of the BRCA1 protein. Computational prediction is inconclusive regarding the impact of this variant on protein structure and function (internally defined REVEL score threshold 0.5 < inconclusive < 0.7, PMID: 27666373). Functional studies reported conflicting variant impact on BRCA1 function from loss of ubiquitin ligase activity (PMID: 16403807) to no impact on a haploid human cell proliferation assay (PMID: 30209399). This variant has been observed in an individual affected with unilateral breast cancer (PMID: 20104584) and an individual age 70 years or older without cancer (FLOSSIES database). This variant also has been reported in a multifactorial analysis with family history likelihood ratio for pathogenicity of 0.0387 (PMID: 31131967). This variant has been identified in 2/250502 chromosomes in the general population by the Genome Aggregation Database (gnomAD). The available evidence is insufficient to determine the role of this variant in disease conclusively. Therefore, this variant is classified as a Variant of Uncertain Significance.

This study involves interpretation of variants in research participants for the purpose of population health screening. Participant phenotype was not available at the time of variant classification. Additional details can be found in publication PMID: 35346344, PMCID: PMC8962531

Color Diagnostics, LLC DBA Color Health
Classification: Likely benign for Hereditary cancer-predisposing syndrome. Last evaluated: 2023-03-02. Review status: criteria provided, single submitter. Criteria: ACMG Guidelines, 2015. Collection method: clinical testing. Allele origin: germline.

Quest Diagnostics Nichols Institute San Juan Capistrano
Classification: Uncertain significance. Last evaluated: 2020-06-19. Review status: criteria provided, single submitter. Criteria: Quest Diagnostics criteria. Collection method: clinical testing. Allele origin: unknown.

Ambry Genetics
Classification: Likely benign for Hereditary cancer-predisposing syndrome. Last evaluated: 2019-11-19. Review status: criteria provided, single submitter. Criteria: Ambry Variant Classification Scheme 2023. Collection method: clinical testing. Allele origin: germline.

GeneDx
Classification: Likely benign. Last evaluated: 2019-07-23. Review status: criteria provided, single submitter. Criteria: GeneDx Variant Classification Process June 2021. Collection method: clinical testing. Allele origin: germline. Affected: yes.
Comment: Not observed at a significant frequency in large population cohorts (Lek et al., 2016); In silico analysis, which includes protein predictors and evolutionary conservation, supports a deleterious effect; This variant is associated with the following publications: (PMID: 20104584, 30209399, 21520273, 15235020, 16403807, 21523855, 000, 19543972, 16267036, 15385441, 25823446, 24489791, 33087888)

Counsyl
Classification: Uncertain significance for Breast-ovarian cancer, familial, susceptibility to, 1. Last evaluated: 2016-02-19. Review status: no assertion criteria provided. Collection method: clinical testing. Allele origin: unknown. Not counted in ClinVar's aggregate classification.

Sharing Clinical Reports Project (SCRP)
Classification: Uncertain significance for Breast-ovarian cancer, familial 1. Last evaluated: 2010-05-03. Review status: no assertion criteria provided. Collection method: clinical testing. Allele origin: germline. Not counted in ClinVar's aggregate classification.

Breast Cancer Information Core (BIC) (BRCA1)
Classification: Uncertain significance for Breast-ovarian cancer, familial 1. Last evaluated: 2004-02-20. Review status: no assertion criteria provided. Collection method: clinical testing. Allele origin: germline. Affected: yes. Observed: 3 variant alleles. Not counted in ClinVar's aggregate classification.

Brotman Baty Institute, University of Washington
No classification provided (evidence only). Condition: Breast-ovarian cancer, familial 1. Review status: no classification provided. Collection method: in vitro. Allele origin: not applicable. Functional consequence: functionally_normal. Not counted in ClinVar's aggregate classification.
ClinVar note: "not provided" was previously submitted as the classification for the variant. However, the classification appeared to be based only on an observation of functional data so it was converted to no classification on 2025-07-30.

Literature cited by the submitters: PubMed 16267036 (cited by Women's Health and Genetics/Laboratory Corporation of America, LabCorp and Ambry Genetics); PubMed 20104584 (cited by 4 submitters); PubMed 15235020 (cited by 4 submitters); PubMed 21520273 (cited by 4 submitters); PubMed 16403807 (cited by 5 submitters); PubMed 19543972 (cited by 3 submitters); PubMed 25823446 (cited by 3 submitters); PubMed 30209399 (cited by 4 submitters); PubMed 31131967 (cited by All of Us Research Program, National Institutes of Health); PubMed 22034435 (cited by Quest Diagnostics Nichols Institute San Juan Capistrano); PubMed 24489791 (cited by Quest Diagnostics Nichols Institute San Juan Capistrano); PubMed 15385441 (cited by Counsyl); PubMed 21523855 (cited by Counsyl).